The following is an entry in ClinVar:

NM_000238.4(KCNH2):c.845C>T (p.Ala282Val)

Gene: KCNH2 (potassium voltage-gated channel subfamily H member 2; minus strand). Cytogenetic location: 7q36.1.
Variant type: single nucleotide variant.
Coding change: c.845C>T on transcript NM_000238.4 (MANE Select); coding-DNA position 845, C replaced by T.
Protein change: p.Ala282Val; replaces alanine 282 with valine.
Molecular consequence: missense variant.
Genome position (GRCh38, 1-based): chr7:150,958,130, G>A on the plus strand (C>T on the coding strand, the complement: KCNH2 is on the minus strand). VCF-style: chr7-150958130-G-A. GRCh37 (hg19) VCF-style: chr7-150655218-G-A.
Other names: c.557C>T, p.Ala186Val (NM_001406753.1, NM_001406756.1); c.668C>T, p.Ala223Val (NM_001406755.1); c.545C>T, p.Ala182Val (NM_001406757.1); c.845C>T, p.Ala282Val (NM_172056.3); short protein forms A186V, A223V, A182V, A282V.
Identifiers: ClinVar variation 2188481 (VCV002188481.4), dbSNP rs2486088908, ClinGen allele CA369862282.

ClinVar aggregate classification (germline): Uncertain significance (1 of 4 stars; one submission).

Conditions:
Long QT syndrome (LQTS). Identifiers: MedGen C0023976, MeSH D008133, MONDO:0002442. Disease mechanism: loss of function. Inheritance: Various modes of inheritance.

Submission:

Labcorp Genetics (formerly Invitae), Labcorp
Classification: Uncertain significance for Long QT syndrome. Last evaluated: 2022-04-29. Review status: criteria provided, single submitter. Criteria: Invitae Variant Classification Sherloc (09022015). Collection method: clinical testing. Allele origin: germline.
Comment: Algorithms developed to predict the effect of missense changes on protein structure and function are either unavailable or do not agree on the potential impact of this missense change (SIFT: "Tolerated"; PolyPhen-2: "Possibly Damaging"; Align-GVGD: "Class C0"). In summary, the available evidence is currently insufficient to determine the role of this variant in disease. Therefore, it has been classified as a Variant of Uncertain Significance. This sequence change replaces alanine, which is neutral and non-polar, with valine, which is neutral and non-polar, at codon 282 of the KCNH2 protein (p.Ala282Val). This variant is not present in population databases (gnomAD no frequency). This variant has not been reported in the literature in individuals affected with KCNH2-related conditions.